The following is an entry in ClinVar:

ClinVar aggregate classification (germline): Uncertain significance (1 of 4 stars; one submission).

Conditions:
Cardiovascular phenotype. Identifiers: MedGen CN230736.

Submission:

Ambry Genetics
Classification: Uncertain significance for Cardiovascular phenotype. Last evaluated: 2024-02-01. Review status: criteria provided, single submitter. Criteria: Ambry Variant Classification Scheme 2023. Collection method: clinical testing. Allele origin: germline.
Comment: The p.I224T variant (also known as c.671T>C), located in coding exon 5 of the DSP gene, results from a T to C substitution at nucleotide position 671. The isoleucine at codon 224 is replaced by threonine, an amino acid with similar properties. This amino acid position is conserved. In addition, this alteration is predicted to be tolerated by in silico analysis. Based on the available evidence, the clinical significance of this alteration remains unclear.

NM_004415.4(DSP):c.671T>C (p.Ile224Thr)

Gene: DSP (desmoplakin; plus strand). Cytogenetic location: 6p24.3.
Variant type: single nucleotide variant.
Coding change: c.671T>C on transcript NM_004415.4 (MANE Select); coding-DNA position 671, T replaced by C.
Protein change: p.Ile224Thr; replaces isoleucine 224 with threonine.
Molecular consequence: missense variant.
Genome position (GRCh38, 1-based): chr6:7,562,725, T>C. VCF-style: chr6-7562725-T-C. GRCh37 (hg19) VCF-style: chr6-7562958-T-C.
Other names: c.671T>C, p.Ile224Thr (NM_001008844.3, NM_001319034.2, NM_001406591.1); short protein forms I224T.
Identifiers: ClinVar variation 3224244 (VCV003224244.1), dbSNP rs2533863581, ClinGen allele CA362673520.